The following is an entry in ClinVar:

NM_014244.5(ADAMTS2):c.2086-181A>T

Gene: ADAMTS2 (ADAM metallopeptidase with thrombospondin type 1 motif 2; minus strand). Cytogenetic location: 5q35.3.
Variant type: single nucleotide variant.
Coding change: c.2086-181A>T on transcript NM_014244.5 (MANE Select); 181 bases into the intron before coding-DNA position 2086, A replaced by T.
Molecular consequence: intron variant.
Genome position (GRCh38, 1-based): chr5:179,133,081, T>A on the plus strand (A>T on the coding strand, the complement: ADAMTS2 is on the minus strand). VCF-style: chr5-179133081-T-A. GRCh37 (hg19) VCF-style: chr5-178560082-T-A.
Identifiers: ClinVar variation 679075 (VCV000679075.1), dbSNP rs34204311, ClinGen allele CA133035065.

ClinVar aggregate classification (germline): Likely benign (1 of 4 stars; one submission).

Allele frequency attached by ClinVar (database versions not stated): gnomAD 0.00577 and 0.00585; 1000 Genomes Project 30x 0.00187; 1000 Genomes Project 0.00200; TOPMed 0.00504.
gnomAD v4.1: 863 of 151,594 alleles (0.57%); highest among the groups gnomAD compares: Non-Finnish European, 0.98%; 2 homozygotes.

Submission:

GeneDx
Classification: Likely benign. Last evaluated: 2018-06-14. Review status: criteria provided, single submitter. Criteria: GeneDx Variant Classification (06012015). Collection method: clinical testing. Allele origin: germline. Affected: yes.
Comment: This variant is considered likely benign or benign based on one or more of the following criteria: it is a conservative change, it occurs at a poorly conserved position in the protein, it is predicted to be benign by multiple in silico algorithms, and/or has population frequency not consistent with disease.